The following is an entry in ClinVar:

NM_020791.4(TAOK1):c.1289C>T (p.Ser430Leu)

Gene: TAOK1 (TAO kinase 1; plus strand). Cytogenetic location: 17q11.2.
Variant type: single nucleotide variant.
Coding change: c.1289C>T on transcript NM_020791.4 (MANE Select); coding-DNA position 1289, C replaced by T.
Protein change: p.Ser430Leu; replaces serine 430 with leucine.
Molecular consequence: missense variant.
Genome position (GRCh38, 1-based): chr17:29,502,674, C>T. VCF-style: chr17-29502674-C-T. GRCh37 (hg19) VCF-style: chr17-27829692-C-T.
Other names: c.1289C>T, p.Ser430Leu (NM_025142.1); short protein forms S430L.
Identifiers: ClinVar variation 2629754 (VCV002629754.1), dbSNP rs2508257393, ClinGen allele CA399195486.

ClinVar aggregate classification (germline): Uncertain significance (1 of 4 stars; one submission).

Conditions:
TAOK1-related disorder. Also called: TAOK1-related condition.

Submission:

PreventionGenetics, part of Exact Sciences
Classification: Uncertain significance for TAOK1-related condition. Last evaluated: 2022-12-22. Review status: criteria provided, single submitter. Criteria: ACMG Guidelines, 2015. Collection method: clinical testing. Allele origin: germline.
Comment: The TAOK1 c.1289C>T variant is predicted to result in the amino acid substitution p.Ser430Leu. To our knowledge, this variant has not been reported in the literature or in a large population database, indicating this variant is rare. At this time, the clinical significance of this variant is uncertain due to the absence of conclusive functional and genetic evidence.